The following is an entry in ClinVar:

NM_001277115.2(DNAH11):c.3184G>C (p.Asp1062His)

Genes: DNAH11 (dynein axonemal heavy chain 11; plus strand), LOC126859961 (BRD4-independent group 4 enhancer GRCh37_chr7:21639662-21640861; plus strand). Cytogenetic location: 7p15.3.
Variant type: single nucleotide variant.
Coding change: c.3184G>C on transcript NM_001277115.2 (MANE Select); coding-DNA position 3184, G replaced by C.
Protein change: p.Asp1062His; replaces aspartic acid 1062 with histidine.
Molecular consequence: missense variant.
Genome position (GRCh38, 1-based): chr7:21,600,859, G>C. VCF-style: chr7-21600859-G-C. GRCh37 (hg19) VCF-style: chr7-21640477-G-C.
Other names: short protein forms D1062H.
Identifiers: ClinVar variation 4869920 (VCV004869920.1).
Genomic context (GRCh38, chr7:21,600,859, plus strand): 5'-GTGGATGATCGAGCTGAGTTTATGAAGCATTTTCTCTTGTATGGCCATGCTGTGTCTTCC[G>C]ATGAAATGGATGCTCATGCAAATGAAGAAATTCCCGAACAACCACCAACTCTTGAGCAAT-3'
Protein context (NP_001264044.1, residues 1052-1072): FLLYGHAVSS[Asp1062His]EMDAHANEEI

ClinVar aggregate classification (germline): Uncertain significance (1 of 4 stars; one submission).

Conditions:
Primary ciliary dyskinesia. Also called: Ciliary dyskinesia. Identifiers: Orphanet 244, MedGen C0008780, MONDO:0016575, HP:0012265.

Submission:

Ambry Genetics
Classification: Uncertain significance for Primary ciliary dyskinesia. Last evaluated: 2026-04-09. Review status: criteria provided, single submitter. Criteria: Ambry Variant Classification Scheme 2023. Collection method: clinical testing. Allele origin: germline.
Comment: The p.D1062H variant (also known as c.3184G>C), located in coding exon 16 of the DNAH11 gene, results from a G to C substitution at nucleotide position 3184. The aspartic acid at codon 1062 is replaced by histidine, an amino acid with similar properties. This amino acid position is conserved. In addition, this alteration is predicted to be tolerated by in silico analysis. Based on the available evidence, the clinical significance of this variant remains unclear.